The following is an entry in ClinVar:

ClinVar aggregate classification (germline): Uncertain significance (1 of 4 stars; one submission).

gnomAD v4.1: 1 of 1,612,808 alleles (0.000062%); highest among the groups gnomAD compares: Non-Finnish European, 0.000085%; no homozygotes.

Submission:

GeneDx
Classification: Uncertain significance. Last evaluated: 2023-11-18. Review status: criteria provided, single submitter. Criteria: GeneDx Variant Classification Process June 2021. Collection method: clinical testing. Allele origin: germline. Affected: yes.
Comment: Not observed at significant frequency in large population cohorts (gnomAD); In silico analysis supports that this missense variant has a deleterious effect on protein structure/function; Has not been previously published as pathogenic or benign to our knowledge; Variants in candidate genes are classified as variants of uncertain significance in accordance with ACMG guidelines (PMID: 25741868)

NM_003660.4(PPFIA3):c.1223A>G (p.Glu408Gly)

Gene: PPFIA3 (PTPRF interacting protein alpha 3; plus strand). Cytogenetic location: 19q13.33.
Variant type: single nucleotide variant.
Coding change: c.1223A>G on transcript NM_003660.4 (MANE Select); coding-DNA position 1223, A replaced by G.
Protein change: p.Glu408Gly; replaces glutamic acid 408 with glycine.
Molecular consequence: missense variant. On other transcripts: non-coding transcript variant (1).
Genome position (GRCh38, 1-based): chr19:49,133,857, A>G. VCF-style: chr19-49133857-A-G. GRCh37 (hg19) VCF-style: chr19-49637114-A-G.
Other names: short protein forms E408G.
Identifiers: ClinVar variation 3364389 (VCV003364389.1).